The following is an entry in ClinVar:

ClinVar aggregate classification (germline): Uncertain significance (1 of 4 stars; one submission).

Submission:

GeneDx
Classification: Uncertain significance. Last evaluated: 2024-12-18. Review status: criteria provided, single submitter. Criteria: GeneDx Variant Classification Process June 2021. Collection method: clinical testing. Allele origin: germline. Affected: yes.
Comment: Not observed at significant frequency in large population cohorts (gnomAD); Frameshift variant predicted to result in protein truncation or nonsense mediated decay in a gene or region of a gene for which loss of function is not a well-established mechanism of disease; Has not been previously published as pathogenic or benign to our knowledge

NM_198503.5(KCNT2):c.2395del (p.Val799fs)

Gene: KCNT2 (potassium sodium-activated channel subfamily T member 2; minus strand). Cytogenetic location: 1q31.3.
Variant type: Deletion.
Coding change: c.2395del on transcript NM_198503.5 (MANE Select); coding-DNA position 2395, one base deleted (G; older notation c.2395delG).
Protein change: p.Val799fs; shifts the reading frame from valine 799.
Molecular consequence: frameshift variant. On other transcripts: non-coding transcript variant (2).
Genome position (GRCh38, 1-based): chr1:196,315,980, C deleted on the plus strand (G on the coding strand, the reverse complement: KCNT2 is on the minus strand); the first of 2 consecutive C bases (chr1:196,315,980-196,315,981); deleting either gives the same sequence. VCF-style (leftmost placement, unchanged base first): chr1-196315979-AC-A. GRCh37 (hg19) VCF-style: chr1-196285109-AC-A.
Other names: c.2323del, p.Val775fs (NM_001287819.3); c.2173del, p.Val725fs (NM_001287820.3); short protein forms V725fs, V775fs, V799fs.
Identifiers: ClinVar variation 3906335 (VCV003906335.1).